The following is an entry in ClinVar:

NM_001127173.3(CADM3):c.38T>A (p.Leu13Gln)

Gene: CADM3 (cell adhesion molecule 3; plus strand). Cytogenetic location: 1q23.2.
Variant type: single nucleotide variant.
Coding change: c.38T>A on transcript NM_001127173.3 (MANE Select); coding-DNA position 38, T replaced by A.
Protein change: p.Leu13Gln; replaces leucine 13 with glutamine.
Molecular consequence: missense variant.
Genome position (GRCh38, 1-based): chr1:159,171,803, T>A. VCF-style: chr1-159171803-T-A. GRCh37 (hg19) VCF-style: chr1-159141593-T-A.
Other names: c.38T>A, p.Leu13Gln (NM_001346510.2, NM_021189.5); short protein forms L13Q.
Identifiers: ClinVar variation 3826835 (VCV003826835.2).

ClinVar aggregate classification (germline): Uncertain significance. Review status: criteria provided, multiple submitters, no conflicts (2 of 4 stars). 2 submissions from 2 submitters: Uncertain significance (2). Last evaluated 2025-10-22.

Conditions:
Inborn genetic diseases. Identifiers: MedGen C0950123, MeSH D030342.

Submissions (2):

Women's Health and Genetics/Laboratory Corporation of America, LabCorp
Classification: Uncertain significance. Last evaluated: 2025-10-22. Review status: criteria provided, single submitter. Criteria: LabCorp Variant Classification Summary - May 2015. Collection method: clinical testing. Allele origin: germline.
Comment: Variant summary: CADM3 c.38T>A (p.Leu13Gln) results in a non-conservative amino acid change in the encoded protein sequence. Algorithms developed to predict the effect of missense changes on protein structure and function are either unavailable or do not agree on the potential impact of this missense change. The frequency data for this variant in gnomAD v2 is considered unreliable, as metrics indicate poor data quality at this position. In gnomAD v4, the variant was reported as 17 heterozygotes. To our knowledge, no occurrence of c.38T>A in individuals affected with CADM3-related conditions and no experimental evidence demonstrating its impact on protein function have been reported. ClinVar contains an entry for this variant (Variation ID: 3826835). Based on the evidence outlined above, the variant was classified as uncertain significance.

Ambry Genetics
Classification: Uncertain significance for Inborn genetic diseases. Last evaluated: 2025-02-11. Review status: criteria provided, single submitter. Criteria: Ambry Variant Classification Scheme 2023. Collection method: clinical testing. Allele origin: germline.